The following is an entry in ClinVar:

NC_000001.10:g.(?_161310374)_(161332233_?)dup

Gene: SDHC (succinate dehydrogenase complex subunit C; plus strand). Cytogenetic location: 1q23.3.
Variant type: Duplication.
Identifiers: ClinVar variation 583574 (VCV000583574.3).

ClinVar aggregate classification (germline): Uncertain significance (1 of 4 stars; one submission).

Conditions:
Gastrointestinal stromal tumor. Also called: Gastrointestinal stromal tumor, somatic; Gastrointestinal stroma tumor. Identifiers: Orphanet 44890, MedGen C0238198, MeSH D046152, MONDO:0011719, OMIM 606764, HP:0100723.
Pheochromocytoma/paraganglioma syndrome 3. Also called: SDHC-Related Hereditary Paraganglioma-Pheochromocytoma Syndrome (Paragangliomas 3); SDHC-Related Hereditary Paraganglioma-Pheochromocytoma Syndrome; Paragangliomas 3; GLOMUS TUMORS, FAMILIAL, 3. Identifiers: Orphanet 29072, MedGen C1854336, MONDO:0011544, OMIM 605373.

Submission:

Labcorp Genetics (formerly Invitae), Labcorp
Classification: Uncertain significance for Paragangliomas 3; Gastrointestinal stroma tumor. Last evaluated: 2019-07-09. Review status: criteria provided, single submitter. Criteria: Invitae Variant Classification Sherloc (09022015). Collection method: clinical testing. Allele origin: germline.
Comment: This variant results in a copy number gain of the genomic region encompassing exons 4-6 of the SDHC gene. The 5' boundary is likely confined to intron 3. The 3' end of this event is unknown as it extends beyond the assayed region for this gene and therefore may encompass additional genes. As the precise location of this event is unknown, it may be in tandem or it may be located elsewhere in the genome. Similar duplications have not been reported in the literature in individuals with SDHC-related disease. In summary, the available evidence is currently insufficient to determine the role of this variant in disease. Therefore, it has been classified as a Variant of Uncertain Significance.